The following is an entry in ClinVar:

ClinVar aggregate classification (germline): Pathogenic. Review status: criteria provided, multiple submitters, no conflicts (2 of 4 stars). 5 submissions from 5 submitters: Pathogenic (5). Last evaluated 2023-03-21.

Conditions:
Duchenne muscular dystrophy (DMD). Also called: MUSCULAR DYSTROPHY, PSEUDOHYPERTROPHIC PROGRESSIVE, DUCHENNE TYPE; Duchenne Muscular Dystrophy (DMD). Identifiers: Orphanet 98896, MedGen C0013264, MONDO:0010679, OMIM 310200.

Submissions (5):

Revvity Omics, Revvity
Classification: Pathogenic. Last evaluated: 2023-03-21. Review status: criteria provided, single submitter. Criteria: ACMG Guidelines, 2015. Collection method: clinical testing. Allele origin: germline.

GeneDx
Classification: Pathogenic. Last evaluated: 2018-08-06. Review status: criteria provided, single submitter. Criteria: GeneDx Variant Classification (06012015). Collection method: clinical testing. Allele origin: germline. Affected: yes.
Comment: The Q1973X variant has been reported previously in association with dystrophinopathy, most often with Duchenne muscular dystrophy (Buzin et al., 2005; Flanigan et al., 2009). This variant is predicted to cause loss of normal protein function either through protein truncation or nonsense-mediated mRNA decay. The Q1973X variant is not observed in large population cohorts (Lek et al., 2016).

Eurofins Ntd Llc (ga)
Classification: Pathogenic. Last evaluated: 2018-06-21. Review status: criteria provided, single submitter. Criteria: EGL ClinVar v180209 classification definitions. Collection method: clinical testing. Allele origin: germline. Observed: 1 variant allele, 1 hemizygote.

ARUP Laboratories, Molecular Genetics and Genomics, ARUP Laboratories
Classification: Pathogenic. Last evaluated: 2018-06-20. Review status: criteria provided, single submitter. Criteria: ARUP Molecular Germline Variant Investigation Process. Collection method: clinical testing. Allele origin: germline.
Comment: The DMD c.5917C>T; p.Gln1973Ter variant (rs863225005) has been described in individuals affected with Duchenne muscular dystrophy (DMD) (Buzin 2005, Flanigan 2009). It is listed in ClinVar (Variation ID: 217206) and is absent from general population databases (1000 Genomes Project, Exome Variant Server, and Genome Aggregation Database), indicating it is not a common polymorphism. This variant induces an early termination codon and is predicted to result in a truncated protein or mRNA subject to nonsense-mediated decay. Additionally, several downstream nonsense variants have been reported in individuals with DMD and are considered pathogenic (see link to UMD-DMD database and references therein). Based on available information, this variant is considered pathogenic. Pathogenic variants in DMD are inherited in an X-linked manner and are associated with Duchenne muscular dystrophy (MIM: 310200), Becker muscular dystrophy (MIM: 300376), and dilated cardiomyopathy (MIM: 302045). References: Link to UMD-DMD database: Buzin C et al. Mutation rates in the dystrophin gene: a hotspot of mutation at a CpG dinucleotide. Hum Mutat. 2005 Feb;25(2):177-88. Flanigan K et al. Mutational spectrum of DMD mutations in dystrophinopathy patients: application of modern diagnostic techniques to a large cohort. Hum Mutat. 2009 Dec;30(12):1657-66.

Athena Diagnostics
Classification: Pathogenic for Duchenne muscular dystrophy. Last evaluated: 2012-06-30. Review status: criteria provided, single submitter. Criteria: Athena Diagnostics Criteria. Collection method: clinical testing. Allele origin: germline. Inheritance: X-linked recessive inheritance.
Comment: X-linked recessive inheritance

Literature cited by the submitters: PubMed 19937601 (cited by Eurofins Ntd Llc (ga) and Athena Diagnostics); PubMed 15643612 (cited by Eurofins Ntd Llc (ga) and Athena Diagnostics).

NM_004006.3(DMD):c.5917C>T (p.Gln1973Ter)

Gene: DMD (dystrophin; minus strand). Cytogenetic location: Xp21.1.
Variant type: single nucleotide variant.
Coding change: c.5917C>T on transcript NM_004006.3 (MANE Select); coding-DNA position 5917, C replaced by T.
Protein change: p.Gln1973Ter; replaces glutamine 1973 with a stop codon.
Molecular consequence: nonsense.
Genome position (GRCh38, 1-based): chrX:32,342,105, G>A on the plus strand (C>T on the coding strand, the complement: DMD is on the minus strand). VCF-style: chrX-32342105-G-A. GRCh37 (hg19) VCF-style: chrX-32360222-G-A.
Other names: c.5893C>T, p.Gln1965Ter (NM_000109.4); c.5905C>T, p.Gln1969Ter (NM_004009.3); c.5548C>T, p.Gln1850Ter (NM_004010.3); c.1894C>T, p.Gln632Ter (NM_004011.4); c.1885C>T, p.Gln629Ter (NM_004012.4); short protein forms Q1973*, Q1850*, Q1965*, Q1969*, Q629*, Q632*.
Identifiers: ClinVar variation 217206 (VCV000217206.14), dbSNP rs863225005, ClinGen allele CA347552.
Genomic context (GRCh38, chrX:32,342,105, plus strand): 5'-TGTTAATAGAGTAGTAGTTGCAAACACATACGTGGGTTTGCCAGTAACAACTCACAATTT[G>A]TGCAAAGTTGAGTCTTCGAAACTGAGCAAATTTGCTCTCAATTTCCCGCCAGCGCTTGCT-3'